The following is an entry in ClinVar:

NM_000051.4(ATM):c.23T>G (p.Leu8Arg)

Gene: ATM (ATM serine/threonine kinase; plus strand). Cytogenetic location: 11q22.3.
Variant type: single nucleotide variant.
Coding change: c.23T>G on transcript NM_000051.4 (MANE Select); coding-DNA position 23, T replaced by G.
Protein change: p.Leu8Arg; replaces leucine 8 with arginine.
Molecular consequence: missense variant.
Genome position (GRCh38, 1-based): chr11:108,227,647, T>G. VCF-style: chr11-108227647-T-G. GRCh37 (hg19) VCF-style: chr11-108098374-T-G.
Other names: c.23T>G, p.Leu8Arg (NM_001351834.2, NM_001351835.2, NM_001351836.2); short protein forms L8R.
Identifiers: ClinVar variation 487013 (VCV000487013.11), dbSNP rs1555053885, ClinGen allele CA382519032.
Genomic context (GRCh38, chr11:108,227,647, plus strand): 5'-TTTTACAGACAGTGATGTGTGTTCTGAAATTGTGAACCATGAGTCTAGTACTTAATGATC[T>G]GCTTATCTGCTGCCGTCAACTAGAACATGATAGAGCTACAGAACGAAAGGTAGTAAATTA-3'
Protein context (NP_000042.3, residues 1-18): MSLVLND[Leu8Arg]LICCRQLEHD

ClinVar aggregate classification (germline): Conflicting classifications of pathogenicity. Review status: criteria provided, conflicting classifications (1 of 4 stars). 2 submissions from 2 submitters: Uncertain significance (1); Likely benign (1). Last evaluated 2025-08-25.

Conditions:
Hereditary cancer-predisposing syndrome. Also called: Tumor predisposition; Neoplastic Syndromes, Hereditary; Hereditary Cancer Syndrome; Hereditary neoplastic syndrome. Identifiers: Orphanet 140162, MedGen C0027672, MeSH D009386, MONDO:0015356.
Ataxia-telangiectasia syndrome (AT). Also called: Ataxia-telangiectasia; Ataxia-telangiectasia, complementation group D; AT, COMPLEMENTATION GROUP C; LOUIS-BAR SYNDROME; Cerebello-oculocutaneous telangiectasia; Immunodeficiency with ataxia telangiectasia. Identifiers: Orphanet 100, MedGen C0004135, MONDO:0008840, OMIM 208900.

Submissions (2):

Ambry Genetics
Classification: Likely benign for Hereditary cancer-predisposing syndrome. Last evaluated: 2025-08-25. Review status: criteria provided, single submitter. Criteria: Ambry Variant Classification Scheme 2023. Collection method: clinical testing. Allele origin: germline.

Labcorp Genetics (formerly Invitae), Labcorp
Classification: Uncertain significance for Ataxia-telangiectasia syndrome. Last evaluated: 2024-08-14. Review status: criteria provided, single submitter. Criteria: Invitae Variant Classification Sherloc (09022015). Collection method: clinical testing. Allele origin: germline.
Comment: This sequence change replaces leucine, which is neutral and non-polar, with arginine, which is basic and polar, at codon 8 of the ATM protein (p.Leu8Arg). This variant is not present in population databases (gnomAD no frequency). This variant has not been reported in the literature in individuals affected with ATM-related conditions. ClinVar contains an entry for this variant (Variation ID: 487013). Invitae Evidence Modeling of protein sequence and biophysical properties (such as structural, functional, and spatial information, amino acid conservation, physicochemical variation, residue mobility, and thermodynamic stability) has been performed for this missense variant. However, the output from this modeling did not meet the statistical confidence thresholds required to predict the impact of this variant on ATM protein function. In summary, the available evidence is currently insufficient to determine the role of this variant in disease. Therefore, it has been classified as a Variant of Uncertain Significance.